The following is an entry in ClinVar:

NM_001134407.3(GRIN2A):c.3141G>T (p.Lys1047Asn)

Gene: GRIN2A (glutamate ionotropic receptor NMDA type subunit 2A; minus strand). Cytogenetic location: 16p13.2.
Variant type: single nucleotide variant.
Coding change: c.3141G>T on transcript NM_001134407.3 (MANE Select); coding-DNA position 3141, G replaced by T.
Protein change: p.Lys1047Asn; replaces lysine 1047 with asparagine.
Molecular consequence: missense variant.
Genome position (GRCh38, 1-based): chr16:9,764,403, C>A on the plus strand (G>T on the coding strand, the complement: GRIN2A is on the minus strand). VCF-style: chr16-9764403-C-A. GRCh37 (hg19) VCF-style: chr16-9858260-C-A.
Other names: c.3141G>T, p.Lys1047Asn (NM_000833.5, NM_001134408.2); short protein forms K1047N.
Identifiers: ClinVar variation 4802913 (VCV004802913.1).

ClinVar aggregate classification (germline): Uncertain significance (1 of 4 stars; one submission).

Conditions:
Landau-Kleffner syndrome (FESD). Also called: EPILEPSY, FOCAL, WITH SPEECH DISORDER AND WITH OR WITHOUT MENTAL RETARDATION; APHASIA, ACQUIRED, WITH EPILEPSY. Identifiers: Orphanet 1945, Orphanet 725, Orphanet 98818, MedGen C0282512, MONDO:0009509, OMIM 245570.

Submission:

Labcorp Genetics (formerly Invitae), Labcorp
Classification: Uncertain significance for Landau-Kleffner syndrome. Last evaluated: 2026-02-03. Review status: criteria provided, single submitter. Criteria: Invitae Variant Classification Sherloc (09022015). Collection method: clinical testing. Allele origin: germline.
Comment: This sequence change replaces lysine, which is basic and polar, with asparagine, which is neutral and polar, at codon 1047 of the GRIN2A protein (p.Lys1047Asn). This variant is not present in population databases (gnomAD no frequency). This variant has not been reported in the literature in individuals affected with GRIN2A-related conditions. Invitae Evidence Modeling of protein sequence and biophysical properties (such as structural, functional, and spatial information, amino acid conservation, physicochemical variation, residue mobility, and thermodynamic stability) has been performed for this missense variant. However, the output from this modeling did not meet the statistical confidence thresholds required to predict the impact of this variant on GRIN2A protein function. In summary, the available evidence is currently insufficient to determine the role of this variant in disease. Therefore, it has been classified as a Variant of Uncertain Significance.